The following is an entry in ClinVar:

ClinVar aggregate classification (germline): Uncertain significance (1 of 4 stars; one submission).

Conditions:
Cardiovascular phenotype. Identifiers: MedGen CN230736.

Allele frequency attached by ClinVar (database versions not stated): TOPMed below 0.00001; ExAC 0.00001; gnomAD exomes below 0.00001.
gnomAD v4.1: 1 of 1,613,664 alleles (0.000062%); highest among the groups gnomAD compares: Non-Finnish European, 0.000085%; no homozygotes.

Submission:

Ambry Genetics
Classification: Uncertain significance for Cardiovascular phenotype. Last evaluated: 2025-03-25. Review status: criteria provided, single submitter. Criteria: Ambry Variant Classification Scheme 2023. Collection method: clinical testing. Allele origin: germline.
Comment: The p.V947L variant (also known as c.2839G>T), located in coding exon 8 of the AKAP9 gene, results from a G to T substitution at nucleotide position 2839. The valine at codon 947 is replaced by leucine, an amino acid with highly similar properties. This amino acid position is conserved. In addition, this alteration is predicted to be tolerated by in silico analysis. Since supporting evidence is limited at this time, the clinical significance of this alteration remains unclear.

NM_005751.5(AKAP9):c.2839G>T (p.Val947Leu)

Gene: AKAP9 (A-kinase anchoring protein 9; plus strand). Cytogenetic location: 7q21.2.
Variant type: single nucleotide variant.
Coding change: c.2839G>T on transcript NM_005751.5 (MANE Select); coding-DNA position 2839, G replaced by T.
Protein change: p.Val947Leu; replaces valine 947 with leucine.
Molecular consequence: missense variant.
Genome position (GRCh38, 1-based): chr7:92,002,756, G>T. VCF-style: chr7-92002756-G-T. GRCh37 (hg19) VCF-style: chr7-91632070-G-T.
Other names: c.2839G>T, p.Val947Leu (NM_147185.3); short protein forms V947L.
Identifiers: ClinVar variation 1796686 (VCV001796686.3), dbSNP rs781743438, ClinGen allele CA4336206.
Genomic context (GRCh38, chr7:92,002,756, plus strand): 5'-ACATTGGAAATGGGTGAGGTTGTTGAAAAGGATACAACAGAACTCATGGAAAAACTTGAG[G>T]TAACCAAGCGAGAGAAATTAGAGCTGTCACAGAGACTGTCTGATCTTTCTGAACAATTGA-3'
Protein context (NP_005742.4, residues 937-957): DTTELMEKLE[Val947Leu]TKREKLELSQ